The following is an entry in ClinVar:

ClinVar aggregate classification (germline): Benign. Review status: criteria provided, multiple submitters, no conflicts (2 of 4 stars). 2 submissions from 2 submitters: Benign (2). Last evaluated 2018-06-19.

Allele frequency attached by ClinVar (database versions not stated): 1000 Genomes Project 0.05671; 1000 Genomes Project 30x 0.05871; gnomAD exomes 0.05897; gnomAD 0.07518 and 0.07803; TOPMed 0.07618.
gnomAD v4.1: 92,081 of 1,520,598 alleles (6.1%); highest among the groups gnomAD compares: African/African-American, 13%; 3,139 homozygotes.

Submissions (2):

GeneDx
Classification: Benign. Last evaluated: 2018-06-19. Review status: criteria provided, single submitter. Criteria: GeneDx Variant Classification (06012015). Collection method: clinical testing. Allele origin: germline. Affected: yes.
Comment: This variant is considered likely benign or benign based on one or more of the following criteria: it is a conservative change, it occurs at a poorly conserved position in the protein, it is predicted to be benign by multiple in silico algorithms, and/or has population frequency not consistent with disease.

Breakthrough Genomics
Classification: Benign. Review status: criteria provided, single submitter. Criteria: ACMG Guidelines, 2015. Collection method: not provided. Allele origin: germline. Inheritance: Autosomal recessive inheritance. Affected: yes.

NM_006129.5(BMP1):c.2233+79A>G

Gene: BMP1 (bone morphogenetic protein 1; plus strand). Cytogenetic location: 8p21.3.
Variant type: single nucleotide variant.
Coding change: c.2233+79A>G on transcript NM_006129.5 (MANE Select); 79 bases into the intron after coding-DNA position 2233, A replaced by G.
Molecular consequence: intron variant.
Genome position (GRCh38, 1-based): chr8:22,202,007, A>G. VCF-style: chr8-22202007-A-G. GRCh37 (hg19) VCF-style: chr8-22059520-A-G.
Identifiers: ClinVar variation 675091 (VCV000675091.2), dbSNP rs62494051, ClinGen allele CA12876977.